The following is an entry in ClinVar:

NM_013262.4(MYLIP):c.1234G>A (p.Ala412Thr)

Gene: MYLIP (myosin regulatory light chain interacting protein; plus strand). Cytogenetic location: 6p22.3.
Variant type: single nucleotide variant.
Coding change: c.1234G>A on transcript NM_013262.4 (MANE Select); coding-DNA position 1234, G replaced by A.
Protein change: p.Ala412Thr; replaces alanine 412 with threonine.
Molecular consequence: missense variant.
Genome position (GRCh38, 1-based): chr6:16,145,303, G>A. VCF-style: chr6-16145303-G-A. GRCh37 (hg19) VCF-style: chr6-16145534-G-A.
Other names: short protein forms A412T.
Identifiers: ClinVar variation 1432108 (VCV001432108.8), dbSNP rs779407179, ClinGen allele CA3644672.

ClinVar aggregate classification (germline): Uncertain significance (1 of 4 stars; one submission).

Allele frequency attached by ClinVar (database versions not stated): ExAC 0.00005; gnomAD exomes 0.00006.
gnomAD v4.1: 27 of 1,590,068 alleles (0.0017%); highest among the groups gnomAD compares: Admixed American, 0.017%; no homozygotes.

Submission:

Labcorp Genetics (formerly Invitae), Labcorp
Classification: Uncertain significance. Last evaluated: 2021-03-14. Review status: criteria provided, single submitter. Criteria: Invitae Variant Classification Sherloc (09022015). Collection method: clinical testing. Allele origin: germline.
Comment: In summary, the available evidence is currently insufficient to determine the role of this variant in disease. Therefore, it has been classified as a Variant of Uncertain Significance. Algorithms developed to predict the effect of missense changes on protein structure and function (SIFT, PolyPhen-2, Align-GVGD) all suggest that this variant is likely to be disruptive, but these predictions have not been confirmed by published functional studies and their clinical significance is uncertain. This variant has not been reported in the literature in individuals with MYLIP-related conditions. This variant is present in population databases (rs779407179, ExAC 0.03%). This sequence change replaces alanine with threonine at codon 412 of the MYLIP protein (p.Ala412Thr). The alanine residue is highly conserved and there is a small physicochemical difference between alanine and threonine.